The following is an entry in ClinVar:

NM_016507.4(CDK12):c.3091C>G (p.Pro1031Ala)

Gene: CDK12 (cyclin dependent kinase 12; plus strand). Cytogenetic location: 17q12.
Variant type: single nucleotide variant.
Coding change: c.3091C>G on transcript NM_016507.4 (MANE Select); coding-DNA position 3091, C replaced by G.
Protein change: p.Pro1031Ala; replaces proline 1031 with alanine.
Molecular consequence: missense variant.
Genome position (GRCh38, 1-based): chr17:39,520,083, C>G. VCF-style: chr17-39520083-C-G. GRCh37 (hg19) VCF-style: chr17-37676336-C-G.
Other names: c.3091C>G, p.Pro1031Ala (NM_015083.4); short protein forms P1031A.
Identifiers: ClinVar variation 4224436 (VCV004224436.1).

ClinVar aggregate classification (germline): Uncertain significance (1 of 4 stars; one submission).

gnomAD v4.1: 7 of 1,613,914 alleles (0.00043%); highest among the groups gnomAD compares: Non-Finnish European, 0.00059%; no homozygotes.

Submission:

Ambry Genetics
Classification: Uncertain significance. Last evaluated: 2025-09-01. Review status: criteria provided, single submitter. Criteria: Ambry Variant Classification Scheme 2023. Collection method: clinical testing. Allele origin: germline.
Comment: The p.P1031A variant (also known as c.3091C>G), located in coding exon 11 of the CDK12 gene, results from a C to G substitution at nucleotide position 3091. The proline at codon 1031 is replaced by alanine, an amino acid with highly similar properties. This amino acid position is conserved. In addition, the in silico prediction for this alteration is inconclusive. Based on the available evidence, the clinical significance of this variant remains unclear.